The following is an entry in ClinVar:

NM_000455.5(STK11):c.117C>T (p.Arg39=)

Gene: STK11 (serine/threonine kinase 11; plus strand). Cytogenetic location: 19p13.3.
Variant type: single nucleotide variant.
Coding change: c.117C>T on transcript NM_000455.5 (MANE Select); coding-DNA position 117, C replaced by T.
Protein change: p.Arg39=; no amino-acid change (arginine 39 retained).
Molecular consequence: synonymous variant.
Genome position (GRCh38, 1-based): chr19:1,207,030, C>T. VCF-style: chr19-1207030-C-T. GRCh37 (hg19) VCF-style: chr19-1207029-C-T.
Identifiers: ClinVar variation 439300 (VCV000439300.19), dbSNP rs786203942, ClinGen allele CA504706126.
Genomic context (GRCh38, chr19:1,207,030, plus strand): 5'-GGTGGGTATGGACACGTTCATCCACCGCATCGACTCCACCGAGGTCATCTACCAGCCGCG[C>T]CGCAAGCGGGCCAAGCTCATCGGCAAGTACCTGATGGGGGACCTGCTGGGGGAAGGCTCT-3'
Protein context (NP_000446.1, residues 29-49): IDSTEVIYQP[Arg39=]RKRAKLIGKY

ClinVar aggregate classification (germline): Benign/Likely benign. Review status: criteria provided, multiple submitters, no conflicts (2 of 4 stars). 6 submissions from 6 submitters: Benign (1); Likely benign (5). Last evaluated 2025-08-06.

Conditions:
Hereditary cancer-predisposing syndrome. Also called: Hereditary Cancer Syndrome; Hereditary neoplastic syndrome; Tumor predisposition; Neoplastic Syndromes, Hereditary. Identifiers: Orphanet 140162, MedGen C0027672, MeSH D009386, MONDO:0015356.
Peutz-Jeghers syndrome (PJS). Also called: Peutz-Jeghers polyposis; Periorificial lentiginosis syndrome; POLYPOSIS, HAMARTOMATOUS INTESTINAL; POLYPS-AND-SPOTS SYNDROME. Identifiers: Orphanet 2869, MedGen C0031269, MeSH D010580, MONDO:0008280, OMIM 175200.

Allele frequency attached by ClinVar (database versions not stated): gnomAD exomes below 0.00001.
gnomAD v4.1: 2 of 1,613,842 alleles (0.00012%); highest among the groups gnomAD compares: Non-Finnish European, 0.00017%; no homozygotes.

Submissions (6):

Labcorp Genetics (formerly Invitae), Labcorp
Classification: Likely benign for Peutz-Jeghers syndrome. Last evaluated: 2025-08-06. Review status: criteria provided, single submitter. Criteria: Invitae Variant Classification Sherloc (09022015). Collection method: clinical testing. Allele origin: germline.

Myriad Genetics, Inc.
Classification: Benign for Peutz-Jeghers syndrome. Last evaluated: 2025-03-25. Review status: criteria provided, single submitter. Criteria: Myriad Autosomal Dominant, Autosomal Recessive and X-Linked Classification Criteria (2023). Collection method: clinical testing. Allele origin: unknown.
Comment: This variant is considered benign. This variant is a silent/synonymous amino acid change and it is not expected to impact splicing.

All of Us Research Program, National Institutes of Health
Classification: Likely benign for Peutz-Jeghers syndrome. Last evaluated: 2023-12-01. Review status: criteria provided, single submitter. Criteria: ACMG Guidelines, 2015. Collection method: clinical testing. Allele origin: germline. Inheritance: Autosomal dominant inheritance. Observed: 1 variant allele, 1 heterozygote.
Comment: This study involves interpretation of variants in research participants for the purpose of population health screening. Participant phenotype was not available at the time of variant classification. Additional details can be found in publication PMID: 35346344, PMCID: PMC8962531

Women's Health and Genetics/Laboratory Corporation of America, LabCorp
Classification: Likely benign. Last evaluated: 2023-03-12. Review status: criteria provided, single submitter. Criteria: LabCorp Variant Classification Summary - May 2015. Collection method: clinical testing. Allele origin: germline.

Ambry Genetics
Classification: Likely benign for Hereditary cancer-predisposing syndrome. Last evaluated: 2019-03-19. Review status: criteria provided, single submitter. Criteria: Ambry Variant Classification Scheme 2023. Collection method: clinical testing. Allele origin: germline.

Quest Diagnostics Nichols Institute San Juan Capistrano
Classification: Likely benign. Last evaluated: 2016-11-25. Review status: criteria provided, single submitter. Criteria: Quest Diagnostics criteria. Collection method: clinical testing. Allele origin: germline.